The following is an entry in ClinVar:

ClinVar aggregate classification (germline): Uncertain significance (1 of 4 stars; one submission).

Submission:

Labcorp Genetics (formerly Invitae), Labcorp
Classification: Uncertain significance. Last evaluated: 2022-02-11. Review status: criteria provided, single submitter. Criteria: Invitae Variant Classification Sherloc (09022015). Collection method: clinical testing. Allele origin: germline.
Comment: This variant is not present in population databases (gnomAD no frequency). This variant has not been reported in the literature in individuals affected with TAOK2-related conditions. ClinVar contains an entry for this variant (Variation ID: 1012152). This sequence change replaces glycine, which is neutral and non-polar, with arginine, which is basic and polar, at codon 1206 of the TAOK2 protein (p.Gly1206Arg). In summary, the available evidence is currently insufficient to determine the role of this variant in disease. Therefore, it has been classified as a Variant of Uncertain Significance. Algorithms developed to predict the effect of missense changes on protein structure and function output the following: SIFT: "Tolerated"; PolyPhen-2: "Benign"; Align-GVGD: "Class C0". The arginine amino acid residue is found in multiple mammalian species, which suggests that this missense change does not adversely affect protein function.

NM_016151.4(TAOK2):c.3616G>A (p.Gly1206Arg)

Gene: TAOK2 (TAO kinase 2; plus strand). Cytogenetic location: 16p11.2.
Variant type: single nucleotide variant.
Coding change: c.3616G>A on transcript NM_016151.4 (MANE Select); coding-DNA position 3616, G replaced by A.
Protein change: p.Gly1206Arg; replaces glycine 1206 with arginine.
Molecular consequence: missense variant. On other transcripts: intron variant (1).
Genome position (GRCh38, 1-based): chr16:29,987,888, G>A. VCF-style: chr16-29987888-G-A. GRCh37 (hg19) VCF-style: chr16-29999209-G-A.
Other names: c.3277G>A, p.Gly1093Arg (NM_001252043.2); c.2232+1384G>A (NM_004783.4); short protein forms G1093R, G1206R.
Identifiers: ClinVar variation 1012152 (VCV001012152.8), dbSNP rs2069863285, ClinGen allele CA395502128.